The following is an entry in ClinVar:

ClinVar aggregate classification (germline): Uncertain significance (1 of 4 stars; one submission).

gnomAD v4.1: 1 of 1,613,978 alleles (0.000062%); highest among the groups gnomAD compares: Non-Finnish European, 0.000085%; no homozygotes.

Submission:

CeGaT Center for Human Genetics Tuebingen
Classification: Uncertain significance. Last evaluated: 2022-03-01. Review status: criteria provided, single submitter. Criteria: CeGaT Center For Human Genetics Tuebingen Variant Classification Criteria Version 2. Collection method: clinical testing. Allele origin: germline. Affected: yes. Observed: 1 variant allele.
Comment: NOTCH2: PM2, PP2, BP4

NM_024408.4(NOTCH2):c.728C>G (p.Thr243Ser)

Gene: NOTCH2 (notch receptor 2; minus strand). Cytogenetic location: 1p12.
Variant type: single nucleotide variant.
Coding change: c.728C>G on transcript NM_024408.4 (MANE Select); coding-DNA position 728, C replaced by G.
Protein change: p.Thr243Ser; replaces threonine 243 with serine.
Molecular consequence: missense variant.
Genome position (GRCh38, 1-based): chr1:119,997,020, G>C on the plus strand (C>G on the coding strand, the complement: NOTCH2 is on the minus strand). VCF-style: chr1-119997020-G-C. GRCh37 (hg19) VCF-style: chr1-120539643-G-C.
Other names: c.728C>G, p.Thr243Ser (NM_001200001.2); short protein forms T243S.
Identifiers: ClinVar variation 2639050 (VCV002639050.24), dbSNP rs1652486654, ClinGen allele CA341848134.
Genomic context (GRCh38, chr1:119,997,020, plus strand): 5'-TTGTCCCCTAATCCTGGGACACTAGGGAGCTCCTTACCTGGAAGGCAGTTGCACTCAAAA[G>C]TGAAGTCACCAGTCTGCCGACAGGTGCCTCCATTGACACAAGGTGAGGGTGCACAGGGCA-3'
Protein context (NP_077719.2, residues 233-253): GGTCRQTGDF[Thr243Ser]FECNCLPGFE